The following is an entry in ClinVar:

NM_002834.5(PTPN11):c.1732A>G (p.Arg578Gly)

Gene: PTPN11 (protein tyrosine phosphatase non-receptor type 11; plus strand). Cytogenetic location: 12q24.13.
Variant type: single nucleotide variant.
Coding change: c.1732A>G on transcript NM_002834.5 (MANE Select); coding-DNA position 1732, A replaced by G.
Protein change: p.Arg578Gly; replaces arginine 578 with glycine.
Molecular consequence: missense variant.
Genome position (GRCh38, 1-based): chr12:112,504,714, A>G. VCF-style: chr12-112504714-A-G. GRCh37 (hg19) VCF-style: chr12-112942518-A-G.
Other names: c.1744A>G, p.Arg582Gly (NM_001330437.2); c.1729A>G, p.Arg577Gly (NM_001374625.1); short protein forms R577G, R578G, R582G.
Identifiers: ClinVar variation 4614784 (VCV004614784.1).

ClinVar aggregate classification (germline): Uncertain significance (1 of 4 stars; one submission).

Conditions:
Cardiovascular phenotype. Identifiers: MedGen CN230736.

Submission:

Ambry Genetics
Classification: Uncertain significance for Cardiovascular phenotype. Last evaluated: 2025-11-24. Review status: criteria provided, single submitter. Criteria: Ambry Variant Classification Scheme 2023. Collection method: clinical testing. Allele origin: germline.
Comment: The p.R578G variant (also known as c.1732A>G), located in coding exon 15 of the PTPN11 gene, results from an A to G substitution at nucleotide position 1732. The arginine at codon 578 is replaced by glycine, an amino acid with dissimilar properties. This amino acid position is conserved. In addition, the in silico prediction for this alteration is inconclusive. Based on the available evidence, the clinical significance of this variant remains unclear.